The following is an entry in ClinVar:

ClinVar aggregate classification (germline): Likely pathogenic (1 of 4 stars; one submission).

Conditions:
Polycystic kidney disease 4 (PKD4). Also called: POLYCYSTIC KIDNEY AND HEPATIC DISEASE 1; POLYCYSTIC KIDNEY DISEASE, INFANTILE, TYPE I; POLYCYSTIC KIDNEY DISEASE 4 WITH OR WITHOUT POLYCYSTIC LIVER DISEASE; PKD3; Autosomal Recessive Polycystic Kidney Disease – PKHD1. Identifiers: MedGen C4540575, MONDO:0033004, OMIM 263200.

Submission:

Myriad Genetics, Inc.
Classification: Likely pathogenic for Polycystic kidney disease 4. Last evaluated: 2022-01-02. Review status: criteria provided, single submitter. Criteria: Myriad Women's Health Autosomal Recessive and X-Linked Classification Criteria (2021). Collection method: clinical testing. Allele origin: unknown.
Comment: NM_138694.3(PKHD1):c.7325T>A(L2442*) is expected to be pathogenic in the context of autosomal recessive polycystic kidney disease, PKHD1-related. This variant is predicted to lead to an abnormal or absent protein product due to the creation of a premature termination codon in PKHD1, a gene where loss-of-function variants are known to be pathogenic. Please note: this variant was assessed in the context of healthy population screening.

NM_138694.4(PKHD1):c.7325T>A (p.Leu2442Ter)

Gene: PKHD1 (PKHD1 ciliary IPT domain containing fibrocystin/polyductin; minus strand). Cytogenetic location: 6p12.2.
Variant type: single nucleotide variant.
Coding change: c.7325T>A on transcript NM_138694.4 (MANE Select); coding-DNA position 7325, T replaced by A.
Protein change: p.Leu2442Ter; replaces leucine 2442 with a stop codon.
Molecular consequence: nonsense.
Genome position (GRCh38, 1-based): chr6:51,883,118, A>T on the plus strand (T>A on the coding strand, the complement: PKHD1 is on the minus strand). VCF-style: chr6-51883118-A-T. GRCh37 (hg19) VCF-style: chr6-51747916-A-T.
Other names: c.7325T>A, p.Leu2442Ter (NM_170724.3); short protein forms L2442*.
Identifiers: ClinVar variation 1726919 (VCV001726919.2), dbSNP rs2536178614, ClinGen allele CA364421926.